The following is an entry in ClinVar:

NM_000264.5(PTCH1):c.893A>T (p.Asn298Ile)

Gene: PTCH1 (patched 1; minus strand). Cytogenetic location: 9q22.32.
Variant type: single nucleotide variant.
Coding change: c.893A>T on transcript NM_000264.5 (MANE Select); coding-DNA position 893, A replaced by T.
Protein change: p.Asn298Ile; replaces asparagine 298 with isoleucine.
Molecular consequence: missense variant. On other transcripts: non-coding transcript variant (1).
Genome position (GRCh38, 1-based): chr9:95,480,442, T>A on the plus strand (A>T on the coding strand, the complement: PTCH1 is on the minus strand). VCF-style: chr9-95480442-T-A. GRCh37 (hg19) VCF-style: chr9-98242724-T-A.
Other names: c.695A>T, p.Asn232Ile (NM_001083602.3); c.890A>T, p.Asn297Ile (NM_001083603.3); c.440A>T, p.Asn147Ile (NM_001083604.3, NM_001083605.3, NM_001083606.3 and 1 more transcripts); c.893A>T, p.Asn298Ile (NM_001354918.2); short protein forms N232I, N298I, N147I, N297I.
Identifiers: ClinVar variation 2848609 (VCV002848609.3), dbSNP rs1456514392, ClinGen allele CA374113825.

ClinVar aggregate classification (germline): Uncertain significance (1 of 4 stars; one submission).

Conditions:
Gorlin syndrome. Also called: Nevoid Basal Cell Carcinoma Syndrome; Basal cell nevus syndrome. Identifiers: Orphanet 377, MedGen C0004779, MONDO:0007187.

Submission:

Labcorp Genetics (formerly Invitae), Labcorp
Classification: Uncertain significance for Gorlin syndrome. Last evaluated: 2023-03-22. Review status: criteria provided, single submitter. Criteria: Invitae Variant Classification Sherloc (09022015). Collection method: clinical testing. Allele origin: germline.
Comment: In summary, the available evidence is currently insufficient to determine the role of this variant in disease. Therefore, it has been classified as a Variant of Uncertain Significance. Advanced modeling of protein sequence and biophysical properties (such as structural, functional, and spatial information, amino acid conservation, physicochemical variation, residue mobility, and thermodynamic stability) has been performed at Invitae for this missense variant, however the output from this modeling did not meet the statistical confidence thresholds required to predict the impact of this variant on PTCH1 protein function. This variant has not been reported in the literature in individuals affected with PTCH1-related conditions. This variant is not present in population databases (gnomAD no frequency). This sequence change replaces asparagine, which is neutral and polar, with isoleucine, which is neutral and non-polar, at codon 298 of the PTCH1 protein (p.Asn298Ile).